The following is an entry in ClinVar:

NM_001042492.3(NF1):c.2569A>C (p.Asn857His)

Gene: NF1 (neurofibromin 1; plus strand). Cytogenetic location: 17q11.2.
Variant type: single nucleotide variant.
Coding change: c.2569A>C on transcript NM_001042492.3 (MANE Select); coding-DNA position 2569, A replaced by C.
Protein change: p.Asn857His; replaces asparagine 857 with histidine.
Molecular consequence: missense variant.
Genome position (GRCh38, 1-based): chr17:31,229,184, A>C. VCF-style: chr17-31229184-A-C. GRCh37 (hg19) VCF-style: chr17-29556202-A-C.
Other names: c.2569A>C, p.Asn857His (NM_000267.4); short protein forms N857H.
Identifiers: ClinVar variation 404439 (VCV000404439.8), dbSNP rs1060500259, ClinGen allele CA16615458.

ClinVar aggregate classification (germline): Conflicting classifications of pathogenicity. Review status: criteria provided, conflicting classifications (1 of 4 stars). 2 submissions from 2 submitters: Uncertain significance (1); Likely benign (1). Last evaluated 2026-04-17.

Conditions:
Neurofibromatosis, type 1 (NF1). Also called: VON RECKLINGHAUSEN DISEASE; NEUROFIBROMATOSIS, TYPE I, SOMATIC; Peripheral type neurofibromatosis; Neurofibromatosis, type I. Identifiers: Orphanet 636, MedGen C0027831, MONDO:0018975, OMIM 162200. Disease mechanism: loss of function.
Hereditary cancer-predisposing syndrome. Also called: Hereditary Cancer Syndrome; Tumor predisposition; Hereditary neoplastic syndrome; Neoplastic Syndromes, Hereditary. Identifiers: Orphanet 140162, MedGen C0027672, MeSH D009386, MONDO:0015356.
Cardiovascular phenotype. Identifiers: MedGen CN230736.

Submissions (2):

Ambry Genetics
Classification: Likely benign for Cardiovascular phenotype; Hereditary cancer-predisposing syndrome. Last evaluated: 2026-04-17. Review status: criteria provided, single submitter. Criteria: Ambry Variant Classification Scheme 2023. Collection method: clinical testing. Allele origin: germline.

Labcorp Genetics (formerly Invitae), Labcorp
Classification: Uncertain significance for Neurofibromatosis, type 1. Last evaluated: 2020-05-27. Review status: criteria provided, single submitter. Criteria: Invitae Variant Classification Sherloc (09022015). Collection method: clinical testing. Allele origin: germline.
Comment: In summary, the available evidence is currently insufficient to determine the role of this variant in disease. Therefore, it has been classified as a Variant of Uncertain Significance. Algorithms developed to predict the effect of missense changes on protein structure and function (SIFT, PolyPhen-2, Align-GVGD) all suggest that this variant is likely to be tolerated, but these predictions have not been confirmed by published functional studies and their clinical significance is uncertain. This variant has not been reported in the literature in individuals with NF1-related conditions. ClinVar contains an entry for this variant (Variation ID: 404439). This variant is not present in population databases (ExAC no frequency). This sequence change replaces asparagine with histidine at codon 857 of the NF1 protein (p.Asn857His). The asparagine residue is weakly conserved and there is a small physicochemical difference between asparagine and histidine.